The following is an entry in ClinVar:

NM_001131016.2(CIZ1):c.2392G>A (p.Gly798Ser)

Gene: CIZ1 (CDKN1A interacting zinc finger protein 1; minus strand). Cytogenetic location: 9q34.11.
Variant type: single nucleotide variant.
Coding change: c.2392G>A on transcript NM_001131016.2 (MANE Select); coding-DNA position 2392, G replaced by A.
Protein change: p.Gly798Ser; replaces glycine 798 with serine.
Molecular consequence: missense variant.
Genome position (GRCh38, 1-based): chr9:128,166,854, C>T on the plus strand (G>A on the coding strand, the complement: CIZ1 is on the minus strand). VCF-style: chr9-128166854-C-T. GRCh37 (hg19) VCF-style: chr9-130929133-C-T.
Other names: c.2224G>A, p.Gly742Ser (NM_001131015.2); c.2209G>A, p.Gly737Ser (NM_001131017.2); c.2152G>A, p.Gly718Ser (NM_001131018.2); c.2560G>A, p.Gly854Ser (NM_001257975.2); c.2089G>A, p.Gly697Ser (NM_001257976.2); c.2392G>A, p.Gly798Ser (NM_012127.3); short protein forms G798S, G718S, G854S, G697S, G737S, G742S.
Identifiers: ClinVar variation 2837623 (VCV002837623.3), dbSNP rs2538724698, ClinGen allele CA375015875.

ClinVar aggregate classification (germline): Uncertain significance (1 of 4 stars; one submission).

Conditions:
Dystonic disorder. Also called: Dystonia. Identifiers: MedGen C0013421, MONDO:0003441, HP:0001332.

Submission:

Labcorp Genetics (formerly Invitae), Labcorp
Classification: Uncertain significance for Dystonic disorder. Last evaluated: 2023-03-26. Review status: criteria provided, single submitter. Criteria: Invitae Variant Classification Sherloc (09022015). Collection method: clinical testing. Allele origin: germline.
Comment: This sequence change replaces glycine, which is neutral and non-polar, with serine, which is neutral and polar, at codon 798 of the CIZ1 protein (p.Gly798Ser). This variant is not present in population databases (gnomAD no frequency). This variant has not been reported in the literature in individuals affected with CIZ1-related conditions. An algorithm developed to predict the effect of missense changes on protein structure and function (PolyPhen-2) suggests that this variant is likely to be disruptive. In summary, the available evidence is currently insufficient to determine the role of this variant in disease. Therefore, it has been classified as a Variant of Uncertain Significance.